The following is an entry in ClinVar:

ClinVar aggregate classification (germline): Likely benign (0 of 4 stars; one submission).

Conditions:
Breast-ovarian cancer, familial, susceptibility to, 2 (BROVCA2). Also called: BRCA2 Hereditary Breast and Ovarian Cancer. Identifiers: Orphanet 145, MedGen C2675520, MONDO:0012933, OMIM 612555. Disease mechanism: loss of function.

Submission:

Department of Pathology and Laboratory Medicine, Sinai Health System
Classification: Likely benign for Breast-ovarian cancer, familial, susceptibility to, 2. Review status: no assertion criteria provided. Collection method: clinical testing. Allele origin: unknown. Affected: yes. Study: The Canadian Open Genetics Repository (COGR).
Comment: The BRCA2 p.Val494= variant was not identified in the literature nor was it identified in the dbSNP, ClinVar, LOVD 3.0, or UMD-LSDB databases. The variant was not identified in the Genome Aggregation Database (Feb 27, 2017). The p.Val494= variant is not expected to have clinical significance because it does not result in a change of amino acid and is not located in a known consensus splice site. In addition, in silico or computational prediction software programs (SpliceSiteFinder, MaxEntScan, NNSPLICE, GeneSplicer) do not predict a difference in splicing. In summary, based on the above information the clinical significance of this variant cannot be determined with certainty at this time although we would lean towards a more benign role for this variant. This variant is classified as likely benign.

NM_000059.4(BRCA2):c.1482G>T (p.Val494=)

Gene: BRCA2 (BRCA2 DNA repair associated; plus strand). Cytogenetic location: 13q13.1.
Variant type: single nucleotide variant.
Coding change: c.1482G>T on transcript NM_000059.4 (MANE Select); coding-DNA position 1482, G replaced by T.
Protein change: p.Val494=; no amino-acid change (valine 494 retained).
Molecular consequence: synonymous variant.
Genome position (GRCh38, 1-based): chr13:32,332,960, G>T. VCF-style: chr13-32332960-G-T. GRCh37 (hg19) VCF-style: chr13-32907097-G-T.
Identifiers: ClinVar variation 1050675 (VCV001050675.1), dbSNP rs1060502387, ClinGen allele CA483436686.